The following is an entry in ClinVar:

ClinVar aggregate classification (germline): Uncertain significance. Review status: criteria provided, multiple submitters, no conflicts (2 of 4 stars). 2 submissions from 2 submitters: Uncertain significance (2). Last evaluated 2026-05-19.

Conditions:
Hereditary cancer-predisposing syndrome. Also called: Tumor predisposition; Hereditary neoplastic syndrome; Neoplastic Syndromes, Hereditary; Hereditary Cancer Syndrome. Identifiers: Orphanet 140162, MedGen C0027672, MeSH D009386, MONDO:0015356.

Submissions (2):

Ambry Genetics
Classification: Uncertain significance for Hereditary cancer-predisposing syndrome. Last evaluated: 2026-05-19. Review status: criteria provided, single submitter. Criteria: Ambry Variant Classification Scheme 2023. Collection method: clinical testing. Allele origin: germline.
Comment: The p.T581S variant (also known as c.1741A>T), located in coding exon 12 of the MSH3 gene, results from an A to T substitution at nucleotide position 1741. The threonine at codon 581 is replaced by serine, an amino acid with similar properties. This amino acid position is well conserved in available vertebrate species. In addition, this alteration is predicted to be tolerated by in silico analysis. Based on the available evidence, the clinical significance of this variant remains unclear.

Labcorp Genetics (formerly Invitae), Labcorp
Classification: Uncertain significance. Last evaluated: 2023-06-29. Review status: criteria provided, single submitter. Criteria: Invitae Variant Classification Sherloc (09022015). Collection method: clinical testing. Allele origin: germline.
Comment: In summary, the available evidence is currently insufficient to determine the role of this variant in disease. Therefore, it has been classified as a Variant of Uncertain Significance. An algorithm developed to predict the effect of missense changes on protein structure and function (PolyPhen-2) suggests that this variant is likely to be tolerated. This variant has not been reported in the literature in individuals affected with MSH3-related conditions. This variant is not present in population databases (gnomAD no frequency). This sequence change replaces threonine, which is neutral and polar, with serine, which is neutral and polar, at codon 581 of the MSH3 protein (p.Thr581Ser).

NM_002439.5(MSH3):c.1741A>T (p.Thr581Ser)

Gene: MSH3 (mutS homolog 3; plus strand). Cytogenetic location: 5q14.1.
Variant type: single nucleotide variant.
Coding change: c.1741A>T on transcript NM_002439.5 (MANE Select); coding-DNA position 1741, A replaced by T.
Protein change: p.Thr581Ser; replaces threonine 581 with serine.
Molecular consequence: missense variant.
Genome position (GRCh38, 1-based): chr5:80,744,593, A>T. VCF-style: chr5-80744593-A-T. GRCh37 (hg19) VCF-style: chr5-80040412-A-T.
Other names: c.1741A>T (NM_002439.3); short protein forms T581S.
Identifiers: ClinVar variation 2732730 (VCV002732730.4), dbSNP rs200221632, ClinGen allele CA360274808.